The following is an entry in ClinVar:

ClinVar aggregate classification (germline): Uncertain significance. Review status: criteria provided, single submitter (1 of 4 stars). 2 submissions from 2 submitters: Uncertain significance (1). 1 of the submissions does not count toward it. Last evaluated 2020-06-25.

Conditions:
Myopathy, distal, 6, adult-onset, autosomal dominant. Identifiers: MedGen C5203349, MONDO:0032853, OMIM 618655.

Submissions (2):

SIB Swiss Institute of Bioinformatics
Classification: Uncertain significance for Myopathy, distal, 6, adult-onset, autosomal dominant. Last evaluated: 2020-06-25. Review status: criteria provided, single submitter. Criteria: ACMG Guidelines, 2015. Collection method: curation. Allele origin: unknown.
Comment: This variant is interpreted as a variant of uncertain significance for Myopathy, distal, 6, adult onset, autosomal dominant. The following ACMG Tag(s) were applied: Absent from controls (or at extremely low frequency if recessive) in Exome Sequencing Project, 1000 Genomes Project, or Exome Aggregation Consortium (PM2); Multiple lines of computational evidence support a deleterious effect on the gene or gene product (PP3).

OMIM
Classification: Pathogenic for MYOPATHY, DISTAL, 6, ADULT-ONSET, AUTOSOMAL DOMINANT. Last evaluated: 2023-03-09. Review status: no assertion criteria provided. Collection method: literature only. Allele origin: germline. Not counted in ClinVar's aggregate classification.

Literature cited by the submitters: PubMed 30900782 (cited by SIB Swiss Institute of Bioinformatics and OMIM).

NM_001103.4(ACTN2):c.392T>C (p.Leu131Pro)

Gene: ACTN2 (actinin alpha 2; plus strand). Cytogenetic location: 1q43.
Variant type: single nucleotide variant.
Coding change: c.392T>C on transcript NM_001103.4 (MANE Select); coding-DNA position 392, T replaced by C.
Protein change: p.Leu131Pro; replaces leucine 131 with proline.
Molecular consequence: missense variant. On other transcripts: 5 prime UTR variant (1).
Genome position (GRCh38, 1-based): chr1:236,720,135, T>C. VCF-style: chr1-236720135-T-C. GRCh37 (hg19) VCF-style: chr1-236883435-T-C.
Other names: c.392T>C, p.Leu131Pro (NM_001278343.2); c.-430T>C (NM_001278344.2); short protein forms L131P.
Identifiers: ClinVar variation 694347 (VCV000694347.3), dbSNP rs1572114611, ClinGen allele CA345373995.